The following is an entry in ClinVar:

NM_016642.4(SPTBN5):c.10033G>A (p.Asp3345Asn)

Gene: SPTBN5 (spectrin beta, non-erythrocytic 5; minus strand). Cytogenetic location: 15q15.1.
Variant type: single nucleotide variant.
Coding change: c.10033G>A on transcript NM_016642.4 (MANE Select); coding-DNA position 10033, G replaced by A.
Protein change: p.Asp3345Asn; replaces aspartic acid 3345 with asparagine.
Molecular consequence: missense variant.
Genome position (GRCh38, 1-based): chr15:41,853,395, C>T on the plus strand (G>A on the coding strand, the complement: SPTBN5 is on the minus strand). VCF-style: chr15-41853395-C-T. GRCh37 (hg19) VCF-style: chr15-42145593-C-T.
Other names: short protein forms D3345N.
Identifiers: ClinVar variation 2645205 (VCV002645205.24), dbSNP rs149954264, ClinGen allele CA7501183.

ClinVar aggregate classification (germline): Likely benign (1 of 4 stars; one submission).

Allele frequency attached by ClinVar (database versions not stated): 1000 Genomes Project 30x 0.00141; 1000 Genomes Project 0.00160; TOPMed 0.00295; gnomAD 0.00309; ExAC 0.00333; ESP Exome Variant Server 0.00345; gnomAD exomes 0.00520.
gnomAD v4.1: 7,942 of 1,607,258 alleles (0.49%); highest among the groups gnomAD compares: Non-Finnish European, 0.63%; 30 homozygotes.

Submission:

CeGaT Center for Human Genetics Tuebingen
Classification: Likely benign. Last evaluated: 2023-03-01. Review status: criteria provided, single submitter. Criteria: CeGaT Center For Human Genetics Tuebingen Variant Classification Criteria Version 2. Collection method: clinical testing. Allele origin: germline. Affected: yes. Observed: 3 variant alleles.
Comment: SPTBN5: BP4, BS2